The following is an entry in ClinVar:

NM_014391.3(ANKRD1):c.596T>A (p.Leu199Gln)

Gene: ANKRD1 (ankyrin repeat domain 1; minus strand). Cytogenetic location: 10q23.31.
Variant type: single nucleotide variant.
Coding change: c.596T>A on transcript NM_014391.3 (MANE Select); coding-DNA position 596, T replaced by A.
Protein change: p.Leu199Gln; replaces leucine 199 with glutamine.
Molecular consequence: missense variant.
Genome position (GRCh38, 1-based): chr10:90,916,226, A>T on the plus strand (T>A on the coding strand, the complement: ANKRD1 is on the minus strand). VCF-style: chr10-90916226-A-T. GRCh37 (hg19) VCF-style: chr10-92675983-A-T.
Other names: short protein forms L199Q.
Identifiers: ClinVar variation 1750782 (VCV001750782.2), dbSNP rs1847372810, ClinGen allele CA377550796.

ClinVar aggregate classification (germline): Uncertain significance (1 of 4 stars; one submission).

Conditions:
Cardiovascular phenotype. Identifiers: MedGen CN230736.

Submission:

Ambry Genetics
Classification: Uncertain significance for Cardiovascular phenotype. Last evaluated: 2018-11-23. Review status: criteria provided, single submitter. Criteria: Ambry Variant Classification Scheme 2023. Collection method: clinical testing. Allele origin: germline.
Comment: The p.L199Q variant (also known as c.596T>A), located in coding exon 6 of the ANKRD1 gene, results from a T to A substitution at nucleotide position 596. The leucine at codon 199 is replaced by glutamine, an amino acid with dissimilar properties. An alternate amino acid substitution at this position, p.L199R c.596T>G, has been reported in an individual with dilated cardiomyopathy (DCM), and functional studies suggested possible impact on protein expression (Duboscq-Bidot L et al. Eur. Heart J., 2009 Sep;30:2128-36). This amino acid position is well conserved in available vertebrate species. In addition, the in silico prediction for this alteration is inconclusive. Since supporting evidence is limited at this time, the clinical significance of this alteration remains unclear.